The following is an entry in ClinVar:

NM_001242896.3(DEPDC5):c.4684G>A (p.Ala1562Thr)

Gene: DEPDC5 (DEP domain containing 5, GATOR1 subcomplex subunit; plus strand). Cytogenetic location: 22q12.3.
Variant type: single nucleotide variant.
Coding change: c.4684G>A on transcript NM_001242896.3 (MANE Select); coding-DNA position 4684, G replaced by A.
Protein change: p.Ala1562Thr; replaces alanine 1562 with threonine.
Molecular consequence: missense variant. On other transcripts: non-coding transcript variant (5).
Genome position (GRCh38, 1-based): chr22:31,906,369, G>A. VCF-style: chr22-31906369-G-A. GRCh37 (hg19) VCF-style: chr22-32302355-G-A.
Other names: c.4657G>A, p.Ala1553Thr (NM_001136029.4); c.4384G>A, p.Ala1462Thr (NM_001242897.2); c.4618G>A, p.Ala1540Thr (NM_001363852.2, NM_001364320.2); c.4450G>A, p.Ala1484Thr (NM_001363854.2, NM_001364319.2); c.4684G>A, p.Ala1562Thr (NM_001364318.2); c.4600G>A, p.Ala1534Thr (NM_001369901.1, NM_001369902.1); c.4591G>A, p.Ala1531Thr (NM_001369903.1, NM_014662.6); short protein forms A1531T, A1562T, A1534T, A1484T, A1540T, A1462T, A1553T.
Identifiers: ClinVar variation 1365642 (VCV001365642.6), dbSNP rs373645855, ClinGen allele CA10197313.

ClinVar aggregate classification (germline): Uncertain significance (1 of 4 stars; one submission).

Conditions:
Familial focal epilepsy with variable foci (FPEVF). Identifiers: Orphanet 98820, MedGen C1858477, MONDO:0020310.

Allele frequency attached by ClinVar (database versions not stated): ExAC 0.00005; ESP Exome Variant Server 0.00008.
gnomAD v4.1: 25 of 1,613,976 alleles (0.0015%); highest among the groups gnomAD compares: Admixed American, 0.022%; no homozygotes.

Submission:

Labcorp Genetics (formerly Invitae), Labcorp
Classification: Uncertain significance for Familial focal epilepsy with variable foci. Last evaluated: 2026-01-28. Review status: criteria provided, single submitter. Criteria: Invitae Variant Classification Sherloc (09022015). Collection method: clinical testing. Allele origin: germline.
Comment: This sequence change replaces alanine, which is neutral and non-polar, with threonine, which is neutral and polar, at codon 1562 of the DEPDC5 protein (p.Ala1562Thr). This variant is present in population databases (rs373645855, gnomAD 0.01%). This variant has not been reported in the literature in individuals affected with DEPDC5-related conditions. ClinVar contains an entry for this variant (Variation ID: 1365642). Experimental studies and prediction algorithms are not available or were not evaluated, and the functional significance of this variant is currently unknown. In summary, the available evidence is currently insufficient to determine the role of this variant in disease. Therefore, it has been classified as a Variant of Uncertain Significance.